The following is an entry in ClinVar:

NM_000179.3(MSH6):c.1877A>G (p.Gln626Arg)

Gene: MSH6 (mutS homolog 6; plus strand). Cytogenetic location: 2p16.3.
Variant type: single nucleotide variant.
Coding change: c.1877A>G on transcript NM_000179.3 (MANE Select); coding-DNA position 1877, A replaced by G.
Protein change: p.Gln626Arg; replaces glutamine 626 with arginine.
Molecular consequence: missense variant.
Genome position (GRCh38, 1-based): chr2:47,799,860, A>G. VCF-style: chr2-47799860-A-G. GRCh37 (hg19) VCF-style: chr2-48026999-A-G.
Other names: c.1487A>G, p.Gln496Arg (NM_001281492.2); c.971A>G, p.Gln324Arg (NM_001281493.2, NM_001281494.2); short protein forms Q626R, Q496R, Q324R.
Identifiers: ClinVar variation 479891 (VCV000479891.19), dbSNP rs1553413257, ClinGen allele CA346749942.

ClinVar aggregate classification (germline): Uncertain significance. Review status: criteria provided, multiple submitters, no conflicts (2 of 4 stars). 4 submissions from 4 submitters: Uncertain significance (4). Last evaluated 2024-03-06.

Conditions:
Hereditary cancer-predisposing syndrome. Also called: Hereditary Cancer Syndrome; Neoplastic Syndromes, Hereditary; Tumor predisposition; Hereditary neoplastic syndrome. Identifiers: Orphanet 140162, MedGen C0027672, MeSH D009386, MONDO:0015356.
Lynch syndrome. Identifiers: Orphanet 144, MedGen C4552100, MONDO:0005835. Disease mechanism: loss of function.
Hereditary nonpolyposis colorectal neoplasms. Identifiers: MedGen C0009405, MeSH D003123.

Submissions (4):

Color Diagnostics, LLC DBA Color Health
Classification: Uncertain significance for Hereditary cancer-predisposing syndrome. Last evaluated: 2024-03-06. Review status: criteria provided, single submitter. Criteria: ACMG Guidelines, 2015. Collection method: clinical testing. Allele origin: germline.
Comment: This missense variant replaces glutamine with arginine at codon 626 of the MSH6 protein. Computational prediction suggests that this variant may have deleterious impact on protein structure and function (internally defined REVEL score threshold >= 0.7, PMID: 27666373). To our knowledge, functional studies have not been reported for this variant. This variant has not been reported in individuals affected with MSH6-related disorders in the literature. This variant has not been identified in the general population by the Genome Aggregation Database (gnomAD). The available evidence is insufficient to determine the role of this variant in disease conclusively. Therefore, this variant is classified as a Variant of Uncertain Significance.

All of Us Research Program, National Institutes of Health
Classification: Uncertain significance for Lynch syndrome. Last evaluated: 2023-01-10. Review status: criteria provided, single submitter. Criteria: ACMG Guidelines, 2015. Collection method: clinical testing. Allele origin: germline. Inheritance: Autosomal dominant inheritance. Observed: 1 variant allele, 1 heterozygote.
Comment: This missense variant replaces glutamine with arginine at codon 626 of the MSH6 protein. Computational prediction tool suggests that this variant may have deleterious impact on protein structure and function (internally defined REVEL score threshold >= 0.7, PMID: 27666373). Splice site prediction tools suggest that this variant may not impact RNA splicing. To our knowledge, functional studies have not been performed for this variant. This variant has not been reported in individuals affected with hereditary cancer in the literature. This variant has not been identified in the general population by the Genome Aggregation Database (gnomAD). The available evidence is insufficient to determine the role of this variant in disease conclusively. Therefore, this variant is classified as a Variant of Uncertain Significance.

This study involves interpretation of variants in research participants for the purpose of population health screening. Participant phenotype was not available at the time of variant classification. Additional details can be found in publication PMID: 35346344, PMCID: PMC8962531

Labcorp Genetics (formerly Invitae), Labcorp
Classification: Uncertain significance for Hereditary nonpolyposis colorectal neoplasms. Last evaluated: 2021-07-27. Review status: criteria provided, single submitter. Criteria: Invitae Variant Classification Sherloc (09022015). Collection method: clinical testing. Allele origin: germline.
Comment: In summary, the available evidence is currently insufficient to determine the role of this variant in disease. Therefore, it has been classified as a Variant of Uncertain Significance. Algorithms developed to predict the effect of missense changes on protein structure and function are either unavailable or do not agree on the potential impact of this missense change (SIFT: "Deleterious"; PolyPhen-2: "Probably Damaging"; Align-GVGD: "Class C0"). ClinVar contains an entry for this variant (Variation ID: 479891). This variant has not been reported in the literature in individuals affected with MSH6-related conditions. This variant is not present in population databases (ExAC no frequency). This sequence change replaces glutamine with arginine at codon 626 of the MSH6 protein (p.Gln626Arg). The glutamine residue is moderately conserved and there is a small physicochemical difference between glutamine and arginine.

Ambry Genetics
Classification: Uncertain significance for Hereditary cancer-predisposing syndrome. Last evaluated: 2016-03-02. Review status: criteria provided, single submitter. Criteria: Ambry Variant Classification Scheme 2023. Collection method: clinical testing. Allele origin: germline.
Comment: The p.Q626R variant (also known as c.1877A>G), located in coding exon 4 of the MSH6 gene, results from an A to G substitution at nucleotide position 1877. The glutamine at codon 626 is replaced by arginine, an amino acid with highly similar properties. This variant was not reported in population based cohorts in the following databases: Database of Single Nucleotide Polymorphisms (dbSNP), NHLBI Exome Sequencing Project (ESP), and 1000 Genomes Project. In the ESP, this variant was not observed in 6502 samples (13004 alleles) with coverage at this position. To date, this alteration has been detected with an allele frequency of approximately 0.001% (greater than 115000 alleles tested) in our clinical cohort. This amino acid position is highly conserved in available vertebrate species. In addition, this alteration is predicted to be deleterious by in silico analysis. In addition, the CoDP in silico tool predicts this alteration will likely impair molecular function, with a score of 0.909 (Terui H et al. J. Biomed. Sci. 2013;20:25). Since supporting evidence is limited at this time, the clinical significance of this alteration remains unclear.